The following is an entry in ClinVar:

ClinVar aggregate classification (germline): Uncertain significance. Review status: criteria provided, multiple submitters, no conflicts (2 of 4 stars). 2 submissions from 2 submitters: Uncertain significance (2). Last evaluated 2026-01-21.

Conditions:
Inborn genetic diseases. Identifiers: MedGen C0950123, MeSH D030342.

Allele frequency attached by ClinVar (database versions not stated): gnomAD exomes below 0.00001; gnomAD 0.00001.
gnomAD v4.1: 4 of 1,613,406 alleles (0.00025%); highest among the groups gnomAD compares: South Asian, 0.0011%; no homozygotes.

Submissions (2):

Ambry Genetics
Classification: Uncertain significance for Inborn genetic diseases. Last evaluated: 2026-01-21. Review status: criteria provided, single submitter. Criteria: Ambry Variant Classification Scheme 2023. Collection method: clinical testing. Allele origin: germline.

Labcorp Genetics (formerly Invitae), Labcorp
Classification: Uncertain significance. Last evaluated: 2024-02-26. Review status: criteria provided, single submitter. Criteria: Invitae Variant Classification Sherloc (09022015). Collection method: clinical testing. Allele origin: germline.
Comment: This sequence change replaces threonine, which is neutral and polar, with isoleucine, which is neutral and non-polar, at codon 34 of the DSG1 protein (p.Thr34Ile). This variant is not present in population databases (gnomAD no frequency). This variant has not been reported in the literature in individuals affected with DSG1-related conditions. ClinVar contains an entry for this variant (Variation ID: 1922773). Advanced modeling of protein sequence and biophysical properties (such as structural, functional, and spatial information, amino acid conservation, physicochemical variation, residue mobility, and thermodynamic stability) performed at Invitae indicates that this missense variant is not expected to disrupt DSG1 protein function with a negative predictive value of 80%. In summary, the available evidence is currently insufficient to determine the role of this variant in disease. Therefore, it has been classified as a Variant of Uncertain Significance.

NM_001942.4(DSG1):c.101C>T (p.Thr34Ile)

Gene: DSG1 (desmoglein 1; plus strand). Cytogenetic location: 18q12.1.
Variant type: single nucleotide variant.
Coding change: c.101C>T on transcript NM_001942.4 (MANE Select); coding-DNA position 101, C replaced by T.
Protein change: p.Thr34Ile; replaces threonine 34 with isoleucine.
Molecular consequence: missense variant.
Genome position (GRCh38, 1-based): chr18:31,326,890, C>T. VCF-style: chr18-31326890-C-T. GRCh37 (hg19) VCF-style: chr18-28906853-C-T.
Other names: c.101C>T (NM_001942.2); short protein forms T34I.
Identifiers: ClinVar variation 1922773 (VCV001922773.6), dbSNP rs2071688880, ClinGen allele CA402127553.